The following is an entry in ClinVar:

ClinVar aggregate classification (germline): Likely benign (0 of 4 stars; one submission).

Conditions:
SEMA3C-related disorder. Also called: SEMA3C-related condition.

Allele frequency attached by ClinVar (database versions not stated): gnomAD exomes 0.00001; gnomAD 0.00003; TOPMed 0.00003.
gnomAD v4.1: 18 of 1,517,024 alleles (0.0012%); highest among the groups gnomAD compares: African/African-American, 0.0044%; no homozygotes.

Submission:

PreventionGenetics, part of Exact Sciences
Classification: Likely benign for SEMA3C-related condition. Last evaluated: 2023-08-01. Review status: no assertion criteria provided. Collection method: clinical testing. Allele origin: germline.
Comment: This variant is classified as likely benign based on ACMG/AMP sequence variant interpretation guidelines (Richards et al. 2015 PMID: 25741868, with internal and published modifications).

NM_006379.5(SEMA3C):c.939T>G (p.Thr313=)

Gene: SEMA3C (semaphorin 3C; minus strand). Cytogenetic location: 7q21.11.
Variant type: single nucleotide variant.
Coding change: c.939T>G on transcript NM_006379.5 (MANE Select); coding-DNA position 939, T replaced by G.
Protein change: p.Thr313=; no amino-acid change (threonine 313 retained).
Molecular consequence: synonymous variant.
Genome position (GRCh38, 1-based): chr7:80,800,804, A>C on the plus strand (T>G on the coding strand, the complement: SEMA3C is on the minus strand). VCF-style: chr7-80800804-A-C. GRCh37 (hg19) VCF-style: chr7-80430120-A-C.
Other names: c.993T>G, p.Thr331= (NM_001350120.2); c.765T>G, p.Thr255= (NM_001350121.2).
Identifiers: ClinVar variation 3054621 (VCV003054621.2), dbSNP rs931744608, ClinGen allele CA161083944.